The following is an entry in ClinVar:

ClinVar aggregate classification (germline): Uncertain significance (1 of 4 stars; one submission).

Conditions:
Charcot-Marie-Tooth disease type 2R. Also called: CHARCOT-MARIE-TOOTH DISEASE, AXONAL, AUTOSOMAL RECESSIVE, TYPE 2R; Charcot-Marie-Tooth disease, axonal, type 2R; CHARCOT-MARIE-TOOTH NEUROPATHY, TYPE 2R. Identifiers: Orphanet 397968, MedGen C3809655, MONDO:0014208, OMIM 615490.

Allele frequency attached by ClinVar (database versions not stated): gnomAD exomes below 0.00001; TOPMed below 0.00001; gnomAD 0.00001.
gnomAD v4.1: 4 of 1,614,010 alleles (0.00025%); highest among the groups gnomAD compares: Non-Finnish European, 0.00034%; no homozygotes.

Submission:

Labcorp Genetics (formerly Invitae), Labcorp
Classification: Uncertain significance for Charcot-Marie-Tooth disease type 2R. Last evaluated: 2024-09-04. Review status: criteria provided, single submitter. Criteria: Invitae Variant Classification Sherloc (09022015). Collection method: clinical testing. Allele origin: germline.
Comment: This sequence change replaces glycine, which is neutral and non-polar, with glutamic acid, which is acidic and polar, at codon 531 of the TRIM2 protein (p.Gly531Glu). This variant is not present in population databases (gnomAD no frequency). This variant has not been reported in the literature in individuals affected with TRIM2-related conditions. ClinVar contains an entry for this variant (Variation ID: 474603). An algorithm developed to predict the effect of missense changes on protein structure and function (PolyPhen-2) suggests that this variant is likely to be disruptive. In summary, the available evidence is currently insufficient to determine the role of this variant in disease. Therefore, it has been classified as a Variant of Uncertain Significance.

NM_015271.5(TRIM2):c.1673G>A (p.Gly558Glu)

Gene: TRIM2 (tripartite motif containing 2; plus strand). Cytogenetic location: 4q31.3.
Variant type: single nucleotide variant.
Coding change: c.1673G>A on transcript NM_015271.5 (MANE Select); coding-DNA position 1673, G replaced by A.
Protein change: p.Gly558Glu; replaces glycine 558 with glutamic acid.
Molecular consequence: missense variant.
Genome position (GRCh38, 1-based): chr4:153,315,890, G>A. VCF-style: chr4-153315890-G-A. GRCh37 (hg19) VCF-style: chr4-154237042-G-A.
Other names: c.1592G>A, p.Gly531Glu (NM_001130067.2, NM_001351056.2); c.1646G>A, p.Gly549Glu (NM_001351054.2); c.1643G>A, p.Gly548Glu (NM_001351055.2); c.1217G>A, p.Gly406Glu (NM_001351057.2); short protein forms G531E, G549E, G548E, G406E, G558E.
Identifiers: ClinVar variation 474603 (VCV000474603.8), dbSNP rs1305793582, ClinGen allele CA358468063.